The following is an entry in ClinVar:

ClinVar aggregate classification (germline): Conflicting classifications of pathogenicity. Review status: criteria provided, conflicting classifications (1 of 4 stars). 3 submissions from 3 submitters: Uncertain significance (1); Benign (1); Likely benign (1). Last evaluated 2025-10-18.

Conditions:
Inborn genetic diseases. Identifiers: MedGen C0950123, MeSH D030342.

Allele frequency attached by ClinVar (database versions not stated): gnomAD exomes 0.00003; ExAC 0.00007; ESP Exome Variant Server 0.00015; 1000 Genomes Project 0.00020; gnomAD 0.00026; 1000 Genomes Project 30x 0.00031; TOPMed 0.00034.
gnomAD v4.1: 84 of 1,613,894 alleles (0.0052%); highest among the groups gnomAD compares: African/African-American, 0.11%; no homozygotes.

Submissions (3):

Labcorp Genetics (formerly Invitae), Labcorp
Classification: Likely benign. Last evaluated: 2025-10-18. Review status: criteria provided, single submitter. Criteria: Invitae Variant Classification Sherloc (09022015). Collection method: clinical testing. Allele origin: germline.

Ambry Genetics
Classification: Uncertain significance for Inborn genetic diseases. Last evaluated: 2025-04-11. Review status: criteria provided, single submitter. Criteria: Ambry Variant Classification Scheme 2023. Collection method: clinical testing. Allele origin: germline.

CeGaT Center for Human Genetics Tuebingen
Classification: Benign. Last evaluated: 2023-04-01. Review status: criteria provided, single submitter. Criteria: CeGaT Center For Human Genetics Tuebingen Variant Classification Criteria Version 2. Collection method: clinical testing. Allele origin: germline. Affected: yes. Observed: 1 variant allele.
Comment: ALPK1: BP4, BS1, BS2

NM_025144.4(ALPK1):c.3709C>A (p.Pro1237Thr)

Gene: ALPK1 (alpha kinase 1; plus strand). Cytogenetic location: 4q25.
Variant type: single nucleotide variant.
Coding change: c.3709C>A on transcript NM_025144.4 (MANE Select); coding-DNA position 3709, C replaced by A.
Protein change: p.Pro1237Thr; replaces proline 1237 with threonine.
Molecular consequence: missense variant.
Genome position (GRCh38, 1-based): chr4:112,441,087, C>A. VCF-style: chr4-112441087-C-A. GRCh37 (hg19) VCF-style: chr4-113362243-C-A.
Other names: c.3709C>A (NM_025144.3); c.3709C>A, p.Pro1237Thr (NM_001102406.2); c.3475C>A, p.Pro1159Thr (NM_001253884.2); short protein forms P1237T, P1159T.
Identifiers: ClinVar variation 2044943 (VCV002044943.28), dbSNP rs146591828, ClinGen allele CA3047257.